The following is an entry in ClinVar:

NM_013432.5(TONSL):c.335C>T (p.Thr112Ile)

Gene: TONSL (tonsoku like, DNA repair protein; minus strand). Cytogenetic location: 8q24.3.
Variant type: single nucleotide variant.
Coding change: c.335C>T on transcript NM_013432.5 (MANE Select); coding-DNA position 335, C replaced by T.
Protein change: p.Thr112Ile; replaces threonine 112 with isoleucine.
Molecular consequence: missense variant.
Genome position (GRCh38, 1-based): chr8:144,443,251, G>A on the plus strand (C>T on the coding strand, the complement: TONSL is on the minus strand). VCF-style: chr8-144443251-G-A. GRCh37 (hg19) VCF-style: chr8-145668634-G-A.
Other names: short protein forms T112I.
Identifiers: ClinVar variation 1409169 (VCV001409169.8), dbSNP rs2129700398, ClinGen allele CA372679142.

ClinVar aggregate classification (germline): Uncertain significance (1 of 4 stars; one submission).

Submission:

Labcorp Genetics (formerly Invitae), Labcorp
Classification: Uncertain significance. Last evaluated: 2021-04-08. Review status: criteria provided, single submitter. Criteria: Invitae Variant Classification Sherloc (09022015). Collection method: clinical testing. Allele origin: germline.
Comment: In summary, the available evidence is currently insufficient to determine the role of this variant in disease. Therefore, it has been classified as a Variant of Uncertain Significance. Algorithms developed to predict the effect of missense changes on protein structure and function are either unavailable or do not agree on the potential impact of this missense change (SIFT: "Deleterious"; PolyPhen-2: "Probably Damaging"; Align-GVGD: "Class C0"). This variant has not been reported in the literature in individuals with TONSL-related conditions. This variant is not present in population databases (ExAC no frequency). This sequence change replaces threonine with isoleucine at codon 112 of the TONSL protein (p.Thr112Ile). The threonine residue is moderately conserved and there is a moderate physicochemical difference between threonine and isoleucine.